The following is an entry in ClinVar:

NM_002691.4(POLD1):c.3317C>T (p.Ala1106Val)

Gene: POLD1 (DNA polymerase delta 1, catalytic subunit; plus strand). Cytogenetic location: 19q13.33.
Variant type: single nucleotide variant.
Coding change: c.3317C>T on transcript NM_002691.4 (MANE Select); coding-DNA position 3317, C replaced by T.
Protein change: p.Ala1106Val; replaces alanine 1106 with valine.
Molecular consequence: missense variant. On other transcripts: non-coding transcript variant (1).
Genome position (GRCh38, 1-based): chr19:50,417,940, C>T. VCF-style: chr19-50417940-C-T. GRCh37 (hg19) VCF-style: chr19-50921197-C-T.
Other names: c.3317C>T, p.Ala1106Val (NM_001256849.1); c.3395C>T, p.Ala1132Val (NM_001308632.1); short protein forms A1106V, A1132V.
Identifiers: ClinVar variation 469344 (VCV000469344.6), dbSNP rs1555793944, ClinGen allele CA406987902.

ClinVar aggregate classification (germline): Uncertain significance (1 of 4 stars; one submission).

Conditions:
POLD1-related polyposis and colorectal cancer syndrome (CRCS10). Also called: Colorectal cancer 10; COLORECTAL CANCER, SUSCEPTIBILITY TO, ON CHROMOSOME 19q; Colorectal cancer, susceptibility to, 10. Identifiers: Orphanet 220460, MedGen C2675481, MONDO:0012953, OMIM 612591.

Submission:

Labcorp Genetics (formerly Invitae), Labcorp
Classification: Uncertain significance for POLD1-related polyposis and colorectal cancer syndrome. Last evaluated: 2024-02-17. Review status: criteria provided, single submitter. Criteria: Invitae Variant Classification Sherloc (09022015). Collection method: clinical testing. Allele origin: germline.
Comment: This sequence change replaces alanine, which is neutral and non-polar, with valine, which is neutral and non-polar, at codon 1106 of the POLD1 protein (p.Ala1106Val). This variant is not present in population databases (gnomAD no frequency). This variant has not been reported in the literature in individuals affected with POLD1-related conditions. ClinVar contains an entry for this variant (Variation ID: 469344). An algorithm developed to predict the effect of missense changes on protein structure and function (PolyPhen-2) suggests that this variant is likely to be tolerated. Algorithms developed to predict the effect of sequence changes on RNA splicing suggest that this variant may create or strengthen a splice site. In summary, the available evidence is currently insufficient to determine the role of this variant in disease. Therefore, it has been classified as a Variant of Uncertain Significance.